The following is an entry in ClinVar:

NM_001039348.3(EFEMP1):c.1001-14C>T

Gene: EFEMP1 (EGF-like fibulin extracellular matrix protein 1; minus strand). Cytogenetic location: 2p16.1.
Variant type: single nucleotide variant.
Coding change: c.1001-14C>T on transcript NM_001039348.3 (MANE Select); 14 bases into the intron before coding-DNA position 1001, C replaced by T.
Molecular consequence: intron variant.
Genome position (GRCh38, 1-based): chr2:55,871,137, G>A on the plus strand (C>T on the coding strand, the complement: EFEMP1 is on the minus strand). VCF-style: chr2-55871137-G-A. GRCh37 (hg19) VCF-style: chr2-56098272-G-A.
Other names: c.1001-14C>T (NM_001039349.3).
Identifiers: ClinVar variation 257227 (VCV000257227.21), dbSNP rs45535043, ClinGen allele CA1668762.
Genomic context (GRCh38, chr2:55,871,137, plus strand): 5'-CATTTCATCCTCCCGGCATTCATTTGTGGTCTCACACTCATTTATATCTGTAGAGATGTA[G>A]GGTCAAAGAGTTTACTAACTAAACTAATGAACTGATCTAATTAAATCATATAACTGGCAG-3'

ClinVar aggregate classification (germline): Benign. Review status: criteria provided, multiple submitters, no conflicts (2 of 4 stars). 6 submissions from 6 submitters: Benign (6). Last evaluated 2026-02-01.

Conditions:
Doyne honeycomb retinal dystrophy (DHRD). Also called: MALATTIA LEVENTINESE; DRUSEN, RADIAL, AUTOSOMAL DOMINANT; DOYNE HONEYCOMB DEGENERATION OF RETINA. Identifiers: Orphanet 75376, MedGen C1832174, MONDO:0007471, OMIM 126600.

Allele frequency attached by ClinVar (database versions not stated): 1000 Genomes Project 0.03774; gnomAD exomes 0.05884 and 0.05271; 1000 Genomes Project 30x 0.04029; ESP Exome Variant Server 0.05367; gnomAD 0.05432 and 0.05588; ExAC 0.05339; TOPMed 0.05173.
gnomAD v4.1: 94,134 of 1,612,978 alleles (5.8%); highest among the groups gnomAD compares: Middle Eastern, 8.2%; 3,097 homozygotes.

Submissions (6):

Labcorp Genetics (formerly Invitae), Labcorp
Classification: Benign. Last evaluated: 2026-02-01. Review status: criteria provided, single submitter. Criteria: Invitae Variant Classification Sherloc (09022015). Collection method: clinical testing. Allele origin: germline.

GeneDx
Classification: Benign. Last evaluated: 2021-06-19. Review status: criteria provided, single submitter. Criteria: GeneDx Variant Classification Process June 2021. Collection method: clinical testing. Allele origin: germline. Affected: yes.
Comment: This variant is associated with the following publications: (PMID: 27884173, 25082885)

Illumina Laboratory Services, Illumina
Classification: Benign for Doyne honeycomb retinal dystrophy. Last evaluated: 2018-01-13. Review status: criteria provided, single submitter. Criteria: ICSL Variant Classification Criteria 13 December 2019. Collection method: clinical testing. Allele origin: germline.
Comment: This variant was observed in the ICSL laboratory as part of a predisposition screen in an ostensibly healthy population. It had not been previously curated by ICSL or reported in the Human Gene Mutation Database (HGMD: prior to June 1st, 2018), and was therefore a candidate for classification through an automated scoring system. Utilizing variant allele frequency, disease prevalence and penetrance estimates, and inheritance mode, an automated score was calculated to assess if this variant is too frequent to cause the disease. Based on the score and internal cut-off values, a variant classified as benign is not then subjected to further curation. The score for this variant resulted in a classification of benign for this disease.

Eurofins Ntd Llc (ga)
Classification: Benign. Last evaluated: 2016-12-15. Review status: criteria provided, single submitter. Criteria: EGL Classification Definitions 2015. Collection method: clinical testing. Allele origin: germline. Observed: 1 variant allele, 1 heterozygote.

Breakthrough Genomics
Classification: Benign. Review status: criteria provided, single submitter. Criteria: ACMG Guidelines, 2015. Collection method: not provided. Allele origin: germline. Inheritance: Autosomal dominant inheritance. Affected: yes.

PreventionGenetics, part of Exact Sciences
Classification: Benign. Review status: criteria provided, single submitter. Criteria: ACMG Guidelines, 2015. Collection method: clinical testing. Allele origin: germline.